The following is an entry in ClinVar:

NM_024298.5(MBOAT7):c.1135del (p.Leu379fs)

Gene: MBOAT7 (membrane bound acylglycerophosphatidylinositol O-acyltransferase MBOAT7; minus strand). Cytogenetic location: 19q13.42.
Variant type: Deletion.
Coding change: c.1135del on transcript NM_024298.5 (MANE Select); coding-DNA position 1135, one base deleted (C; older notation c.1135delC).
Protein change: p.Leu379fs; shifts the reading frame from leucine 379.
Molecular consequence: frameshift variant.
Genome position (GRCh38, 1-based): chr19:54,174,328, G deleted on the plus strand (C on the coding strand, the reverse complement: MBOAT7 is on the minus strand). VCF-style (leftmost placement, unchanged base first): chr19-54174327-AG-A. GRCh37 (hg19) VCF-style: chr19-54678021-AG-A.
Other names: c.916del, p.Leu306fs (NM_001146056.3, NM_001146083.3); short protein forms L306fs, L379fs.
Identifiers: ClinVar variation 812079 (VCV000812079.3), dbSNP rs2076013475, ClinGen allele CA1139666576.
Genomic context (GRCh38, chr19:54,174,327, plus strand): 5'-TGCACCCAGTCCCAGGCCTTCTGGCCCCCTGGGCTCAGCCGCCCCCGCAGGGCTGACTCC[AG>A]CCGGCCCTCGGCAGCCAGGCACAGCGGGATGGTCAGGAAGCTCAGGTAGTAGCCCGGGTG-3'

ClinVar aggregate classification (germline): Pathogenic. Review status: criteria provided, single submitter (1 of 4 stars). 2 submissions from 2 submitters: Pathogenic (1). 1 of the submissions does not count toward it. Last evaluated 2024-08-26.

Conditions:
Intellectual developmental disorder, autosomal recessive 57. Also called: Intellectual disability, autosomal recessive 57. Identifiers: MedGen C4310673, MONDO:0014962, OMIM 617188.
Neurodevelopmental abnormality. Identifiers: MedGen C4022737, HP:0012759.

Submissions (2):

Clinical Genetics Laboratory, Skane University Hospital Lund
Classification: Pathogenic for Neurodevelopmental abnormality. Last evaluated: 2024-08-26. Review status: criteria provided, single submitter. Criteria: ACMG Guidelines, 2015. Collection method: clinical testing. Allele origin: biparental. Inheritance: Autosomal recessive inheritance. Affected: yes.
Comment: PVS1, PS4_Moderate, PM2

Medical Genetics Laboratory, Tarbiat Modares University
Classification: Likely pathogenic for Intellectual developmental disorder, autosomal recessive 57. Review status: no assertion criteria provided. Collection method: clinical testing. Allele origin: germline. Inheritance: Autosomal recessive inheritance. Affected: yes. Observed: 1 homozygote. Not counted in ClinVar's aggregate classification.